The following is an entry in ClinVar:

NM_017739.4(POMGNT1):c.824A>G (p.Tyr275Cys)

Genes: POMGNT1 (protein O-linked mannose N-acetylglucosaminyltransferase 1 (beta 1,2-); minus strand), TSPAN1 (tetraspanin 1; plus strand). Cytogenetic location: 1p34.1.
Variant type: single nucleotide variant.
Coding change: c.824A>G on transcript NM_017739.4 (MANE Select); coding-DNA position 824, A replaced by G.
Protein change: p.Tyr275Cys; replaces tyrosine 275 with cysteine.
Molecular consequence: missense variant.
Genome position (GRCh38, 1-based): chr1:46,194,329, T>C on the plus strand (A>G on the coding strand, the complement: POMGNT1 is on the minus strand). VCF-style: chr1-46194329-T-C. GRCh37 (hg19) VCF-style: chr1-46660001-T-C.
Other names: c.824A>G, p.Tyr275Cys (NM_001243766.2, NM_001410783.1); c.758A>G, p.Tyr253Cys (NM_001290129.3); c.395A>G, p.Tyr132Cys (NM_001290130.2); short protein forms Y275C, Y253C, Y132C.
Identifiers: ClinVar variation 1348127 (VCV001348127.4), dbSNP rs200789546, ClinGen allele CA21914473.

ClinVar aggregate classification (germline): Uncertain significance. Review status: criteria provided, multiple submitters, no conflicts (2 of 4 stars). 2 submissions from 2 submitters: Uncertain significance (2). Last evaluated 2024-01-17.

Conditions:
Inborn genetic diseases. Identifiers: MedGen C0950123, MeSH D030342.
Autosomal recessive limb-girdle muscular dystrophy type 2O. Also called: Limb-Girdle Muscular Dystrophy Type 3C; MUSCULAR DYSTROPHY-DYSTROGLYCANOPATHY (LIMB-GIRDLE), TYPE C, 3; MUSCULAR DYSTROPHY-DYSTROGLYCANOPATHY, LIMB-GIRDLE, POMGNT1-RELATED. Identifiers: Orphanet 206564, MedGen C3150417, MONDO:0013161, OMIM 613157.
Muscular dystrophy-dystroglycanopathy (congenital with impaired intellectual development), type B, 3. Also called: MUSCULAR DYSTROPHY, CONGENITAL, POMGNT1-RELATED; Muscular dystrophy-dystroglycanopathy (congenital with intellectual disability), type B3. Identifiers: MedGen C3150412, MONDO:0013155, OMIM 613151.

Allele frequency attached by ClinVar (database versions not stated): TOPMed 0.00001; gnomAD 0.00001; gnomAD exomes below 0.00001.
gnomAD v4.1: 5 of 1,614,052 alleles (0.00031%); highest among the groups gnomAD compares: Non-Finnish European, 0.00034%; no homozygotes.

Submissions (2):

Ambry Genetics
Classification: Uncertain significance for Inborn genetic diseases. Last evaluated: 2024-01-17. Review status: criteria provided, single submitter. Criteria: Ambry Variant Classification Scheme 2023. Collection method: clinical testing. Allele origin: germline.

Labcorp Genetics (formerly Invitae), Labcorp
Classification: Uncertain significance for Autosomal recessive limb-girdle muscular dystrophy type 2O; Muscular dystrophy-dystroglycanopathy (congenital with impaired intellectual development), type B, 3. Last evaluated: 2022-02-04. Review status: criteria provided, single submitter. Criteria: Invitae Variant Classification Sherloc (09022015). Collection method: clinical testing. Allele origin: germline.
Comment: This sequence change replaces tyrosine, which is neutral and polar, with cysteine, which is neutral and slightly polar, at codon 275 of the POMGNT1 protein (p.Tyr275Cys). This variant is present in population databases (rs200789546, gnomAD 0.0009%). This variant has not been reported in the literature in individuals affected with POMGNT1-related conditions. Advanced modeling of protein sequence and biophysical properties (such as structural, functional, and spatial information, amino acid conservation, physicochemical variation, residue mobility, and thermodynamic stability) performed at Invitae indicates that this missense variant is not expected to disrupt POMGNT1 protein function. In summary, the available evidence is currently insufficient to determine the role of this variant in disease. Therefore, it has been classified as a Variant of Uncertain Significance.